The following is an entry in ClinVar:

ClinVar aggregate classification (germline): Uncertain significance (1 of 4 stars; one submission).

Submission:

Labcorp Genetics (formerly Invitae), Labcorp
Classification: Uncertain significance. Last evaluated: 2024-04-25. Review status: criteria provided, single submitter. Criteria: Invitae Variant Classification Sherloc (09022015). Collection method: clinical testing. Allele origin: germline.
Comment: This sequence change replaces valine, which is neutral and non-polar, with leucine, which is neutral and non-polar, at codon 942 of the DMXL2 protein (p.Val942Leu). This variant is not present in population databases (gnomAD no frequency). This variant has not been reported in the literature in individuals affected with DMXL2-related conditions. ClinVar contains an entry for this variant (Variation ID: 1480908). An algorithm developed to predict the effect of missense changes on protein structure and function (PolyPhen-2) suggests that this variant is likely to be tolerated. In summary, the available evidence is currently insufficient to determine the role of this variant in disease. Therefore, it has been classified as a Variant of Uncertain Significance.

NM_001378457.1(DMXL2):c.2824G>T (p.Val942Leu)

Gene: DMXL2 (Dmx like 2; minus strand). Cytogenetic location: 15q21.2.
Variant type: single nucleotide variant.
Coding change: c.2824G>T on transcript NM_001378457.1 (MANE Select); coding-DNA position 2824, G replaced by T.
Protein change: p.Val942Leu; replaces valine 942 with leucine.
Molecular consequence: missense variant. On other transcripts: non-coding transcript variant (2), intron variant (2).
Genome position (GRCh38, 1-based): chr15:51,502,974, C>A on the plus strand (G>T on the coding strand, the complement: DMXL2 is on the minus strand). VCF-style: chr15-51502974-C-A. GRCh37 (hg19) VCF-style: chr15-51795171-C-A.
Other names: c.2824G>T, p.Val942Leu (NM_001174116.3, NM_001378458.1, NM_001378459.1 and 4 more transcripts); c.2584G>T, p.Val862Leu (NM_001378464.1); c.2764+4160G>T (NM_001378460.1, NM_001174117.3); short protein forms V942L, V862L.
Identifiers: ClinVar variation 1480908 (VCV001480908.8), dbSNP rs144279316, ClinGen allele CA392438635.